The following is an entry in ClinVar:

NM_014704.4(CEP104):c.2179A>G (p.Lys727Glu)

Gene: CEP104 (centrosomal protein 104; minus strand). Cytogenetic location: 1p36.32.
Variant type: single nucleotide variant.
Coding change: c.2179A>G on transcript NM_014704.4 (MANE Select); coding-DNA position 2179, A replaced by G.
Protein change: p.Lys727Glu; replaces lysine 727 with glutamic acid.
Molecular consequence: missense variant.
Genome position (GRCh38, 1-based): chr1:3,826,717, T>C on the plus strand (A>G on the coding strand, the complement: CEP104 is on the minus strand). VCF-style: chr1-3826717-T-C. GRCh37 (hg19) VCF-style: chr1-3743281-T-C.
Other names: short protein forms K727E.
Identifiers: ClinVar variation 2637465 (VCV002637465.4), dbSNP rs1570784091, ClinGen allele CA338037225.

ClinVar aggregate classification (germline): Conflicting classifications of pathogenicity. Review status: criteria provided, conflicting classifications (1 of 4 stars). 2 submissions from 2 submitters: Uncertain significance (1); Likely benign (1). Last evaluated 2026-04-24.

Allele frequency attached by ClinVar (database versions not stated): gnomAD exomes below 0.00001.
gnomAD v4.1: 2 of 1,614,174 alleles (0.00012%); highest among the groups gnomAD compares: Non-Finnish European, 0.000085%; no homozygotes.

Submissions (2):

Women's Health and Genetics/Laboratory Corporation of America, LabCorp
Classification: Uncertain significance. Last evaluated: 2026-04-24. Review status: criteria provided, single submitter. Criteria: LabCorp Variant Classification Summary - May 2015. Collection method: clinical testing. Allele origin: germline.
Comment: Variant summary: CEP104 c.2179A>G (p.Lys727Glu) results in a conservative amino acid change in the encoded protein sequence. Algorithms developed to predict the effect of missense changes on protein structure and function all suggest that this variant is likely to be tolerated. The variant was absent in 251478 control chromosomes. The available data on variant occurrences in the general population are insufficient to allow any conclusion about variant significance. To our knowledge, no occurrence of c.2179A>G in individuals affected with CEP104-related conditions and no experimental evidence demonstrating its impact on protein function have been reported. ClinVar contains an entry for this variant (Variation ID: 2637465). Based on the evidence outlined above, the variant was classified as uncertain significance.

Blueprint Genetics
Classification: Likely benign. Last evaluated: 2024-08-30. Review status: criteria provided, single submitter. Criteria: ACMG Guidelines, 2015. Collection method: clinical testing. Allele origin: germline.